The following is an entry in ClinVar:

ClinVar aggregate classification (germline): Likely benign. Review status: criteria provided, multiple submitters, no conflicts (2 of 4 stars). 2 submissions from 2 submitters: Likely benign (2). Last evaluated 2026-05-27.

Conditions:
Gastrointestinal stromal tumor. Also called: Gastrointestinal stromal tumor, somatic; Gastrointestinal stroma tumor. Identifiers: Orphanet 44890, MedGen C0238198, MeSH D046152, MONDO:0011719, OMIM 606764, HP:0100723.

Allele frequency attached by ClinVar (database versions not stated): ESP Exome Variant Server 0.00008.
gnomAD v4.1: 4 of 1,613,974 alleles (0.00025%); highest among the groups gnomAD compares: Admixed American, 0.0067%; no homozygotes.

Submissions (2):

Myriad Genetics, Inc.
Classification: Likely benign for Gastrointestinal stromal tumor. Last evaluated: 2026-05-27. Review status: criteria provided, single submitter. Criteria: Myriad Autosomal Dominant, Autosomal Recessive and X-Linked Classification Criteria (2023). Collection method: clinical testing. Allele origin: unknown.
Comment: This variant is considered likely benign. This variant is intronic and is not expected to impact mRNA splicing.

Labcorp Genetics (formerly Invitae), Labcorp
Classification: Likely benign for Gastrointestinal stromal tumor. Last evaluated: 2025-12-21. Review status: criteria provided, single submitter. Criteria: Invitae Variant Classification Sherloc (09022015). Collection method: clinical testing. Allele origin: germline.

NM_000222.3(KIT):c.1648-15C>T

Gene: KIT (KIT proto-oncogene, receptor tyrosine kinase; plus strand). Cytogenetic location: 4q12.
Variant type: single nucleotide variant.
Coding change: c.1648-15C>T on transcript NM_000222.3 (MANE Select); 15 bases into the intron before coding-DNA position 1648, C replaced by T.
Molecular consequence: intron variant.
Genome position (GRCh38, 1-based): chr4:54,727,401, C>T. VCF-style: chr4-54727401-C-T. GRCh37 (hg19) VCF-style: chr4-55593567-C-T.
Other names: c.1651-15C>T (NM_001385284.1, NM_001385290.1); c.1639-15C>T (NM_001385288.1, NM_001385292.1); c.1648-15C>T (NM_001385285.1); c.1636-15C>T (NM_001093772.2, NM_001385286.1).
Identifiers: ClinVar variation 1572968 (VCV001572968.9), dbSNP rs377176204, ClinGen allele CA96875627.